The following is an entry in ClinVar:

NM_000535.7(PMS2):c.804-17A>G

Gene: PMS2 (PMS1 homolog 2, mismatch repair system component; minus strand). Cytogenetic location: 7p22.1.
Variant type: single nucleotide variant.
Coding change: c.804-17A>G on transcript NM_000535.7 (MANE Select); 17 bases into the intron before coding-DNA position 804, A replaced by G.
Molecular consequence: intron variant.
Genome position (GRCh38, 1-based): chr7:5,995,650, T>C on the plus strand (A>G on the coding strand, the complement: PMS2 is on the minus strand). VCF-style: chr7-5995650-T-C. GRCh37 (hg19) VCF-style: chr7-6035281-T-C.
Other names: c.399-17A>G (NM_001322003.2, NM_001322009.2, NM_001322005.2 and 2 more transcripts); c.495-17A>G (NM_001322015.2); c.486-17A>G (NM_001322007.2, NM_001322008.2); c.-130-17A>G (NM_001322011.2, NM_001322012.2); c.804-17A>G (NM_001322006.2, NM_001322014.2); c.231-17A>G (NM_001322013.2).
Identifiers: ClinVar variation 2048684 (VCV002048684.5), dbSNP rs2128776666, ClinGen allele CA2580076841.

ClinVar aggregate classification (germline): Likely benign. Review status: criteria provided, multiple submitters, no conflicts (2 of 4 stars). 2 submissions from 2 submitters: Likely benign (2). Last evaluated 2025-06-08.

Conditions:
Hereditary nonpolyposis colorectal neoplasms. Identifiers: MedGen C0009405, MeSH D003123.
Lynch syndrome 4 (LYNCH4). Also called: Colorectal cancer, hereditary nonpolyposis, type 4; Hereditary non-polyposis colorectal cancer, type 4. Identifiers: Orphanet 144, MedGen C1838333, MONDO:0013699, OMIM 614337. Disease mechanism: loss of function.

Submissions (2):

Labcorp Genetics (formerly Invitae), Labcorp
Classification: Likely benign for Hereditary nonpolyposis colorectal neoplasms. Last evaluated: 2025-06-08. Review status: criteria provided, single submitter. Criteria: Invitae Variant Classification Sherloc (09022015). Collection method: clinical testing. Allele origin: germline.

Myriad Genetics, Inc.
Classification: Likely benign for Lynch syndrome 4. Last evaluated: 2025-01-28. Review status: criteria provided, single submitter. Criteria: Myriad Autosomal Dominant, Autosomal Recessive and X-Linked Classification Criteria (2023). Collection method: clinical testing. Allele origin: unknown.
Comment: This variant is considered likely benign. This variant is intronic and is not expected to impact mRNA splicing.